The following is an entry in ClinVar:

ClinVar aggregate classification (germline): Likely benign. Review status: criteria provided, multiple submitters, no conflicts (2 of 4 stars). 2 submissions from 2 submitters: Likely benign (2). Last evaluated 2025-12-13.

Conditions:
AP3B2-related disorder. Also called: AP3B2-related condition.

Allele frequency attached by ClinVar (database versions not stated): gnomAD exomes below 0.00001 and 0.00001; gnomAD 0.00002; TOPMed 0.00004.
gnomAD v4.1: 11 of 1,612,124 alleles (0.00068%); highest among the groups gnomAD compares: African/African-American, 0.0027%; no homozygotes.

Submissions (2):

Labcorp Genetics (formerly Invitae), Labcorp
Classification: Likely benign. Last evaluated: 2025-12-13. Review status: criteria provided, single submitter. Criteria: Invitae Variant Classification Sherloc (09022015). Collection method: clinical testing. Allele origin: germline.

PreventionGenetics, part of Exact Sciences
Classification: Likely benign for AP3B2-related condition. Last evaluated: 2025-04-12. Review status: criteria provided, single submitter. Criteria: ACMG Guidelines, 2015. Collection method: clinical testing. Allele origin: germline.
Comment: This variant is classified as likely benign based on ACMG/AMP sequence variant interpretation guidelines (Richards et al. 2015 PMID: 25741868, with internal and published modifications).

NM_001278512.2(AP3B2):c.1852+7G>A

Genes: AP3B2 (adaptor related protein complex 3 subunit beta 2; minus strand), CPEB1-AS1 (CPEB1 antisense RNA 1; plus strand). Cytogenetic location: 15q25.2.
Variant type: single nucleotide variant.
Coding change: c.1852+7G>A on transcript NM_001278512.2 (MANE Select); 7 bases into the intron after coding-DNA position 1852, G replaced by A.
Molecular consequence: intron variant.
Genome position (GRCh38, 1-based): chr15:82,666,740, C>T on the plus strand (G>A on the coding strand, the complement: AP3B2 is on the minus strand). VCF-style: chr15-82666740-C-T. GRCh37 (hg19) VCF-style: chr15-83335492-C-T.
Other names: c.1756+7G>A (NM_001278511.2); c.1852+7G>A (NM_004644.5).
Identifiers: ClinVar variation 763652 (VCV000763652.9), dbSNP rs1191927129, ClinGen allele CA619005328.